The following is an entry in ClinVar:

ClinVar aggregate classification (germline): Pathogenic (1 of 4 stars; one submission).

Conditions:
Hereditary cancer-predisposing syndrome. Also called: Neoplastic Syndromes, Hereditary; Tumor predisposition; Hereditary Cancer Syndrome; Hereditary neoplastic syndrome. Identifiers: Orphanet 140162, MedGen C0027672, MeSH D009386, MONDO:0015356.

Submission:

Ambry Genetics
Classification: Pathogenic for Hereditary cancer-predisposing syndrome. Last evaluated: 2025-01-03. Review status: criteria provided, single submitter. Criteria: Ambry Variant Classification Scheme 2023. Collection method: clinical testing. Allele origin: germline.
Comment: The p.E544* pathogenic mutation (also known as c.1630G>T), located in coding exon 4 of the MSH6 gene, results from a G to T substitution at nucleotide position 1630. This changes the amino acid from a glutamic acid to a stop codon within coding exon 4. This variant is considered to be rare based on population cohorts in the Genome Aggregation Database (gnomAD). This alteration is expected to result in loss of function by premature protein truncation or nonsense-mediated mRNA decay. As such, this alteration is interpreted as a disease-causing mutation.

NM_000179.3(MSH6):c.1630G>T (p.Glu544Ter)

Gene: MSH6 (mutS homolog 6; plus strand). Cytogenetic location: 2p16.3.
Variant type: single nucleotide variant.
Coding change: c.1630G>T on transcript NM_000179.3 (MANE Select); coding-DNA position 1630, G replaced by T.
Protein change: p.Glu544Ter; replaces glutamic acid 544 with a stop codon.
Molecular consequence: nonsense.
Genome position (GRCh38, 1-based): chr2:47,799,613, G>T. VCF-style: chr2-47799613-G-T. GRCh37 (hg19) VCF-style: chr2-48026752-G-T.
Other names: c.1240G>T, p.Glu414Ter (NM_001281492.2); c.724G>T, p.Glu242Ter (NM_001281493.2, NM_001281494.2, NM_001406811.1 and 6 more transcripts); c.1726G>T, p.Glu576Ter (NM_001406795.1, NM_001406802.1); c.1630G>T, p.Glu544Ter (NM_001406796.1, NM_001406798.1, NM_001406800.1 and 3 more transcripts); c.1333G>T, p.Glu445Ter (NM_001406797.1, NM_001406801.1, NM_001406805.1 and 10 more transcripts); c.1105G>T, p.Glu369Ter (NM_001406799.1, NM_001406806.1, NM_001406807.1); c.1552G>T, p.Glu518Ter (NM_001406804.1); c.1636G>T, p.Glu546Ter (NM_001406813.1); and 1 more; short protein forms E445*, E488*, E242*, E414*, E544*, E546*, E369*, E518*.
Identifiers: ClinVar variation 1776828 (VCV001776828.3), dbSNP rs2104356934, ClinGen allele CA346747144.